The following is an entry in ClinVar:

NM_201596.3(CACNB2):c.457-15T>C

Gene: CACNB2 (calcium voltage-gated channel auxiliary subunit beta 2; plus strand). Cytogenetic location: 10p12.31.
Variant type: single nucleotide variant.
Coding change: c.457-15T>C on transcript NM_201596.3 (MANE Select); 15 bases into the intron before coding-DNA position 457, T replaced by C.
Molecular consequence: intron variant.
Genome position (GRCh38, 1-based): chr10:18,500,797, T>C. VCF-style: chr10-18500797-T-C. GRCh37 (hg19) VCF-style: chr10-18789726-T-C.
Other names: c.373-15T>C (NM_201571.4, NM_001167945.2, NM_201572.4); c.457-15T>C (NM_201593.3, NM_201597.3); c.292-15T>C (NM_000724.4, NM_001330060.2); c.295-15T>C (NM_201590.3); c.313-15T>C (NM_201570.3).
Identifiers: ClinVar variation 513416 (VCV000513416.6), dbSNP rs550954203, ClinGen allele CA5429635.

ClinVar aggregate classification (germline): Likely benign. Review status: criteria provided, multiple submitters, no conflicts (2 of 4 stars). 2 submissions from 2 submitters: Likely benign (2). Last evaluated 2023-08-29.

Conditions:
Brugada syndrome 4 (BRGDA4). Identifiers: Orphanet 130, MedGen C2678477, MONDO:0012743, OMIM 611876.

Allele frequency attached by ClinVar (database versions not stated): gnomAD exomes below 0.00001 and 0.00001; gnomAD 0.00001; ExAC 0.00002; 1000 Genomes Project 30x 0.00016; 1000 Genomes Project 0.00020.
gnomAD v4.1: 2 of 1,613,304 alleles (0.00012%); highest among the groups gnomAD compares: East Asian, 0.0022%; no homozygotes.

Submissions (2):

Labcorp Genetics (formerly Invitae), Labcorp
Classification: Likely benign for Brugada syndrome 4. Last evaluated: 2023-08-29. Review status: criteria provided, single submitter. Criteria: Invitae Variant Classification Sherloc (09022015). Collection method: clinical testing. Allele origin: germline.

GeneDx
Classification: Likely benign. Last evaluated: 2017-11-20. Review status: criteria provided, single submitter. Criteria: GeneDx Variant Classification (06012015). Collection method: clinical testing. Allele origin: germline. Affected: yes.
Comment: This variant is considered likely benign or benign based on one or more of the following criteria: it is a conservative change, it occurs at a poorly conserved position in the protein, it is predicted to be benign by multiple in silico algorithms, and/or has population frequency not consistent with disease.